The following is an entry in ClinVar:

ClinVar aggregate classification (germline): Likely pathogenic (1 of 4 stars; one submission).

Allele frequency attached by ClinVar (database versions not stated): TOPMed below 0.00001; ExAC 0.00001; gnomAD 0.00001; gnomAD exomes 0.00001; ESP Exome Variant Server 0.00008.
gnomAD v4.1: 8 of 1,613,216 alleles (0.0005%); highest among the groups gnomAD compares: African/African-American, 0.0013%; no homozygotes.

Submission:

Labcorp Genetics (formerly Invitae), Labcorp
Classification: Likely pathogenic. Last evaluated: 2022-05-19. Review status: criteria provided, single submitter. Criteria: Invitae Variant Classification Sherloc (09022015). Collection method: clinical testing. Allele origin: germline.
Comment: This sequence change affects an acceptor splice site in intron 8 of the SGPL1 gene. It is expected to disrupt RNA splicing. Variants that disrupt the donor or acceptor splice site typically lead to a loss of protein function (PMID: 16199547), and loss-of-function variants in SGPL1 are known to be pathogenic (PMID: 28165339, 28165343). In summary, the currently available evidence indicates that the variant is pathogenic, but additional data are needed to prove that conclusively. Therefore, this variant has been classified as Likely Pathogenic. Algorithms developed to predict the effect of sequence changes on RNA splicing suggest that this variant may disrupt the consensus splice site. This variant has not been reported in the literature in individuals affected with SGPL1-related conditions. This variant is present in population databases (rs370799576, gnomAD 0.004%).

Literature cited by the submitters: PubMed 16199547; PubMed 28165339; PubMed 28165343.

NM_003901.4(SGPL1):c.705-1G>A

Gene: SGPL1 (sphingosine-1-phosphate lyase 1; plus strand). Cytogenetic location: 10q22.1.
Variant type: single nucleotide variant.
Coding change: c.705-1G>A on transcript NM_003901.4 (MANE Select); the canonical splice acceptor site of the intron before coding-DNA position 705, G replaced by A.
Molecular consequence: splice acceptor variant.
Genome position (GRCh38, 1-based): chr10:70,869,791, G>A. VCF-style: chr10-70869791-G-A. GRCh37 (hg19) VCF-style: chr10-72629548-G-A.
Identifiers: ClinVar variation 1942047 (VCV001942047.5), dbSNP rs370799576, ClinGen allele CA5541283.